The following is an entry in ClinVar:

NM_138694.4(PKHD1):c.8048del (p.Gly2683fs)

Gene: PKHD1 (PKHD1 ciliary IPT domain containing fibrocystin/polyductin; minus strand). Cytogenetic location: 6p12.2.
Variant type: Deletion.
Coding change: c.8048del on transcript NM_138694.4 (MANE Select); coding-DNA position 8048, one base deleted (G; older notation c.8048delG).
Protein change: p.Gly2683fs; shifts the reading frame from glycine 2683.
Molecular consequence: frameshift variant.
Genome position (GRCh38, 1-based): chr6:51,847,834, C deleted on the plus strand (G on the coding strand, the reverse complement: PKHD1 is on the minus strand); the first of 2 consecutive C bases (chr6:51,847,834-51,847,835); deleting either gives the same sequence. VCF-style (leftmost placement, unchanged base first): chr6-51847833-AC-A. GRCh37 (hg19) VCF-style: chr6-51712631-AC-A.
Other names: c.8048del, p.Gly2683fs (NM_170724.3); short protein forms G2683fs.
Identifiers: ClinVar variation 4059955 (VCV004059955.2).

ClinVar aggregate classification (germline): Likely pathogenic (1 of 4 stars; one submission).

Conditions:
Autosomal recessive polycystic kidney disease (ARPKD). Also called: AR polycystic kidney disease. Identifiers: Orphanet 731, Orphanet 8378, MedGen C0085548, MeSH D017044, MONDO:0009889.

Submission:

Natera, Inc.
Classification: Likely pathogenic for Autosomal recessive polycystic kidney disease. Last evaluated: 2025-04-15. Review status: criteria provided, single submitter. Criteria: Natera Variant Classification Schema (03/2026). Collection method: clinical testing. Allele origin: germline.
Comment: The c.8048del variant in PKHD1 is a frameshift variant predicted to shift the reading frame beginning at codon 2683 and leads to a stop codon 14 codons downstream. This variant is expected to result in nonsense mediated decay, truncation, or a dysfunctional protein product. This variant is rare in the general population with a frequency below the threshold expected for the associated phenotype(s). Given the available evidence, this variant is classified as Likely Pathogenic.